The following is an entry in ClinVar:

ClinVar aggregate classification (germline): Uncertain significance. Review status: criteria provided, multiple submitters, no conflicts (2 of 4 stars). 3 submissions from 3 submitters: Uncertain significance (3). Last evaluated 2025-07-17.

Conditions:
Hereditary cancer-predisposing syndrome. Also called: Hereditary Cancer Syndrome; Neoplastic Syndromes, Hereditary; Tumor predisposition; Hereditary neoplastic syndrome. Identifiers: Orphanet 140162, MedGen C0027672, MeSH D009386, MONDO:0015356.

Allele frequency attached by ClinVar (database versions not stated): gnomAD exomes below 0.00001 and 0.00001; TOPMed below 0.00001; gnomAD 0.00001; ExAC 0.00002.
gnomAD v4.1: 6 of 1,613,978 alleles (0.00037%); highest among the groups gnomAD compares: Non-Finnish European, 0.00034%; no homozygotes.

Submissions (3):

Ambry Genetics
Classification: Uncertain significance for Hereditary cancer-predisposing syndrome. Last evaluated: 2025-07-17. Review status: criteria provided, single submitter. Criteria: Ambry Variant Classification Scheme 2023. Collection method: clinical testing. Allele origin: germline.
Comment: The p.E18G variant (also known as c.53A>G), located in coding exon 1 of the RAD50 gene, results from an A to G substitution at nucleotide position 53. The glutamic acid at codon 18 is replaced by glycine, an amino acid with similar properties. In one study, this variant was reported in 4/60,466 breast cancer cases and in 5/53,461 controls (Dorling et al. N Engl J Med. 2021 02;384:428-439). This amino acid position is highly conserved in available vertebrate species. In addition, this alteration is predicted to be tolerated by in silico analysis. Since supporting evidence is limited at this time, the clinical significance of this alteration remains unclear.

Labcorp Genetics (formerly Invitae), Labcorp
Classification: Uncertain significance for Hereditary cancer-predisposing syndrome. Last evaluated: 2023-11-14. Review status: criteria provided, single submitter. Criteria: Invitae Variant Classification Sherloc (09022015). Collection method: clinical testing. Allele origin: germline.
Comment: This sequence change replaces glutamic acid, which is acidic and polar, with glycine, which is neutral and non-polar, at codon 18 of the RAD50 protein (p.Glu18Gly). This variant is present in population databases (rs746681057, gnomAD 0.004%). This variant has not been reported in the literature in individuals affected with RAD50-related conditions. ClinVar contains an entry for this variant (Variation ID: 480398). Advanced modeling of protein sequence and biophysical properties (such as structural, functional, and spatial information, amino acid conservation, physicochemical variation, residue mobility, and thermodynamic stability) performed at Invitae indicates that this missense variant is not expected to disrupt RAD50 protein function with a negative predictive value of 80%. In summary, the available evidence is currently insufficient to determine the role of this variant in disease. Therefore, it has been classified as a Variant of Uncertain Significance.

GeneDx
Classification: Uncertain significance. Last evaluated: 2023-03-31. Review status: criteria provided, single submitter. Criteria: GeneDx Variant Classification Process June 2021. Collection method: clinical testing. Allele origin: germline. Affected: yes.
Comment: In silico analysis supports that this missense variant has a deleterious effect on protein structure/function; Variants in candidate genes are classified as variants of uncertain significance in accordance with ACMG guidelines (Richards et al., 2015); Identified in individuals with breast cancer and also in unaffected controls (Dorling et al., 2021); This variant is associated with the following publications: (PMID: 33471991)

Literature cited by the submitters: PubMed 33471991 (cited by Ambry Genetics).

NM_005732.4(RAD50):c.53A>G (p.Glu18Gly)

Gene: RAD50 (RAD50 double strand break repair protein; plus strand). Cytogenetic location: 5q31.1.
Variant type: single nucleotide variant.
Coding change: c.53A>G on transcript NM_005732.4 (MANE Select); coding-DNA position 53, A replaced by G.
Protein change: p.Glu18Gly; replaces glutamic acid 18 with glycine.
Molecular consequence: missense variant.
Genome position (GRCh38, 1-based): chr5:132,557,377, A>G. VCF-style: chr5-132557377-A-G. GRCh37 (hg19) VCF-style: chr5-131893069-A-G.
Other names: short protein forms E18G.
Identifiers: ClinVar variation 480398 (VCV000480398.17), dbSNP rs746681057, ClinGen allele CA3404880.